The following is an entry in ClinVar:

ClinVar aggregate classification (germline): Benign/Likely benign. Review status: criteria provided, multiple submitters, no conflicts (2 of 4 stars). 6 submissions from 6 submitters: Benign (1); Likely benign (5). Last evaluated 2026-08-01.

Conditions:
Hereditary cancer-predisposing syndrome. Also called: Neoplastic Syndromes, Hereditary; Tumor predisposition; Hereditary neoplastic syndrome; Hereditary Cancer Syndrome. Identifiers: Orphanet 140162, MedGen C0027672, MeSH D009386, MONDO:0015356.
Fanconi anemia (FA). Also called: Fanconi's anemia. Identifiers: Orphanet 84, MedGen C0015625, MeSH D005199, MONDO:0019391.

Allele frequency attached by ClinVar (database versions not stated): TOPMed 0.00002; gnomAD exomes 0.00004 and 0.00006; gnomAD 0.00006; ExAC 0.00007.
gnomAD v4.1: 71 of 1,613,984 alleles (0.0044%); highest among the groups gnomAD compares: Non-Finnish European, 0.0032%; 1 homozygote.

Submissions (6):

CeGaT Center for Human Genetics Tuebingen
Classification: Likely benign. Last evaluated: 2026-08-01. Review status: criteria provided, single submitter. Criteria: CeGaT Center For Human Genetics Tuebingen Variant Classification Criteria Version 2. Collection method: clinical testing. Allele origin: germline. Affected: yes. Observed: 1 variant allele.
Comment: FANCC: BP4, BP7

Labcorp Genetics (formerly Invitae), Labcorp
Classification: Likely benign for Fanconi anemia. Last evaluated: 2026-02-01. Review status: criteria provided, single submitter. Criteria: Invitae Variant Classification Sherloc (09022015). Collection method: clinical testing. Allele origin: germline.

Blueprint Genetics
Classification: Likely benign. Last evaluated: 2024-10-21. Review status: criteria provided, single submitter. Criteria: ACMG Guidelines, 2015. Collection method: clinical testing. Allele origin: germline.

Women's Health and Genetics/Laboratory Corporation of America, LabCorp
Classification: Likely benign. Last evaluated: 2024-03-04. Review status: criteria provided, single submitter. Criteria: LabCorp Variant Classification Summary - May 2015. Collection method: clinical testing. Allele origin: germline.

Ambry Genetics
Classification: Likely benign for Hereditary cancer-predisposing syndrome. Last evaluated: 2019-07-15. Review status: criteria provided, single submitter. Criteria: Ambry Variant Classification Scheme 2023. Collection method: clinical testing. Allele origin: germline.

GeneDx
Classification: Benign. Last evaluated: 2014-04-04. Review status: criteria provided, single submitter. Criteria: GeneDx Variant Classification (06012015). Collection method: clinical testing. Allele origin: germline. Affected: yes.
Comment: This variant is considered likely benign or benign based on one or more of the following criteria: it is a conservative change, it occurs at a poorly conserved position in the protein, it is predicted to be benign by multiple in silico algorithms, and/or has population frequency not consistent with disease.

NM_000136.3(FANCC):c.1242G>A (p.Ser414=)

Genes: AOPEP (aminopeptidase O (putative); plus strand), FANCC (FA complementation group C; minus strand). Cytogenetic location: 9q22.32.
Variant type: single nucleotide variant.
Coding change: c.1242G>A on transcript NM_000136.3 (MANE Select); coding-DNA position 1242, G replaced by A.
Protein change: p.Ser414=; no amino-acid change (serine 414 retained).
Molecular consequence: synonymous variant.
Genome position (GRCh38, 1-based): chr9:95,111,550, C>T on the plus strand (G>A on the coding strand, the complement: FANCC is on the minus strand). VCF-style: chr9-95111550-C-T. GRCh37 (hg19) VCF-style: chr9-97873832-C-T.
Other names: p.S414S:TCG>TCA; c.1242G>A, p.Ser414= (NM_001243743.2, NM_001243744.2).
Identifiers: ClinVar variation 137281 (VCV000137281.20), dbSNP rs587780939, ClinGen allele CA290823.